The following is an entry in ClinVar:

NM_032340.4(UQCC2):c.321G>A (p.Met107Ile)

Gene: UQCC2 (ubiquinol-cytochrome c reductase complex assembly factor 2; minus strand). Cytogenetic location: 6p21.31.
Variant type: single nucleotide variant.
Coding change: c.321G>A on transcript NM_032340.4 (MANE Select); coding-DNA position 321, G replaced by A.
Protein change: p.Met107Ile; replaces methionine 107 with isoleucine.
Molecular consequence: missense variant.
Genome position (GRCh38, 1-based): chr6:33,697,713, C>T on the plus strand (G>A on the coding strand, the complement: UQCC2 is on the minus strand). VCF-style: chr6-33697713-C-T. GRCh37 (hg19) VCF-style: chr6-33665490-C-T.
Other names: p.Met107Ile; short protein forms M107I.
Identifiers: ClinVar variation 381205 (VCV000381205.17), dbSNP rs34770331, ClinGen allele CA3762437.

ClinVar aggregate classification (germline): Likely benign. Review status: criteria provided, multiple submitters, no conflicts (2 of 4 stars). 6 submissions from 6 submitters: Likely benign (6). Last evaluated 2026-08-01.

Conditions:
Mitochondrial complex III deficiency nuclear type 7. Identifiers: MedGen C4014408, MONDO:0014356, OMIM 615824.

Allele frequency attached by ClinVar (database versions not stated): gnomAD exomes 0.00025 and 0.00066; ExAC 0.00064; gnomAD 0.00236 and 0.00258; 1000 Genomes Project 30x 0.00250; ESP Exome Variant Server 0.00261; TOPMed 0.00262; 1000 Genomes Project 0.00280.

Submissions (6):

CeGaT Center for Human Genetics Tuebingen
Classification: Likely benign. Last evaluated: 2026-08-01. Review status: criteria provided, single submitter. Criteria: CeGaT Center For Human Genetics Tuebingen Variant Classification Criteria Version 2. Collection method: clinical testing. Allele origin: germline. Affected: yes. Observed: 1 variant allele.
Comment: UQCC2: BP4

Labcorp Genetics (formerly Invitae), Labcorp
Classification: Likely benign. Last evaluated: 2026-01-06. Review status: criteria provided, single submitter. Criteria: Invitae Variant Classification Sherloc (09022015). Collection method: clinical testing. Allele origin: germline.

Mayo Clinic Laboratories, Mayo Clinic
Classification: Likely benign. Last evaluated: 2025-12-10. Review status: criteria provided, single submitter. Criteria: ACMG Guidelines, 2015. Collection method: clinical testing. Allele origin: germline. Observed: 1 variant allele.
Comment: BP4_moderate

Fulgent Genetics
Classification: Likely benign for Mitochondrial complex III deficiency nuclear type 7. Last evaluated: 2021-10-08. Review status: criteria provided, single submitter. Criteria: ACMG Guidelines, 2015. Collection method: clinical testing. Allele origin: unknown.

GeneDx
Classification: Likely benign. Last evaluated: 2021-03-03. Review status: criteria provided, single submitter. Criteria: GeneDx Variant Classification Process June 2021. Collection method: clinical testing. Allele origin: germline. Affected: yes.

Breakthrough Genomics
Classification: Likely benign. Review status: criteria provided, single submitter. Criteria: ACMG Guidelines, 2015. Collection method: not provided. Allele origin: germline. Inheritance: Autosomal recessive inheritance. Affected: yes.